The following is an entry in ClinVar:

ClinVar aggregate classification (germline): Uncertain significance. Review status: criteria provided, multiple submitters, no conflicts (2 of 4 stars). 3 submissions from 3 submitters: Uncertain significance (3). Last evaluated 2025-05-25.

Conditions:
Inborn genetic diseases. Identifiers: MedGen C0950123, MeSH D030342.
Deafness-lymphedema-leukemia syndrome. Also called: Lymphedema, primary, with myelodysplasia; Emberger syndrome. Identifiers: Orphanet 3226, MedGen C3279664, MONDO:0013540, OMIM 614038.
GATA2 deficiency with susceptibility to MDS/AML. Identifiers: MedGen CN300066, MONDO:0042982.
Monocytopenia with susceptibility to infections. Also called: GATA2 DEFICIENCY; MONOCYTOPENIA AND MYCOBACTERIAL INFECTION SYNDROME; MONOCYTOPENIA WITH SUSCEPTIBILITY TO MYCOBACTERIAL, FUNGAL, AND PAPILLOMAVIRUS INFECTIONS AND MYELODYSPLASIA; COMBINED IMMUNODEFICIENCY WITH SUSCEPTIBILITY TO MYCOBACTERIAL, VIRAL, AND FUNGAL INFECTIONS; Dendritic cell, monocyte, B lymphocyte, and natural killer lymphocyte deficiency; IMMUNODEFICIENCY 21. Identifiers: Orphanet 228423, MedGen C3280030, MONDO:0013607, OMIM 614172.

Submissions (3):

Ambry Genetics
Classification: Uncertain significance for Inborn genetic diseases. Last evaluated: 2025-05-25. Review status: criteria provided, single submitter. Criteria: Ambry Variant Classification Scheme 2023. Collection method: clinical testing. Allele origin: germline.
Comment: The c.1017+532T>A intronic variant results from a T to A substitution 532 nucleotides after coding exon 3 in the GATA2 gene. This variant was reported in an individual with features consistent with GATA2 deficiency syndrome (Wlodarski MW et al. Blood, 2016 Mar;127:1387-97; quiz 1518). This nucleotide position is highly conserved in available vertebrate species. In silico splice site analysis predicts that this alteration will not have any significant effect on splicing; however, direct evidence is insufficient at this time (Ambry internal data). Based on the available evidence, the clinical significance of this variant remains unclear.

Labcorp Genetics (formerly Invitae), Labcorp
Classification: Uncertain significance for Monocytopenia with susceptibility to infections; Deafness-lymphedema-leukemia syndrome. Last evaluated: 2025-05-02. Review status: criteria provided, single submitter. Criteria: Invitae Variant Classification Sherloc (09022015). Collection method: clinical testing. Allele origin: germline.
Comment: This sequence change falls in intron 4 of the GATA2 gene. It does not directly change the encoded amino acid sequence of the GATA2 protein. This variant is not present in population databases (gnomAD no frequency). This variant has been observed in individual(s) with clinical features of GATA2-related conditions (internal data). ClinVar contains an entry for this variant (Variation ID: 1184021). Algorithms developed to predict the effect of sequence changes on RNA splicing suggest that this variant is not likely to affect RNA splicing. In summary, the available evidence is currently insufficient to determine the role of this variant in disease. Therefore, it has been classified as a Variant of Uncertain Significance.

Molecular Pathology Research Laboratory, SA Pathology
Classification: Uncertain significance for GATA2 deficiency with susceptibility to MDS/AML; Deafness-lymphedema-leukemia syndrome. Last evaluated: 2021-07-06. Review status: criteria provided, single submitter. Criteria: ACMG Guidelines, 2015. Collection method: curation. Allele origin: unknown. Inheritance: Autosomal dominant inheritance. Affected: yes. Observed: 1 variant allele.
Comment: PS4_Supporting, PM1, PM2

Literature cited by the submitters: PubMed 26702063 (cited by Ambry Genetics and Molecular Pathology Research Laboratory, SA Pathology).

NM_032638.5(GATA2):c.1017+532T>A

Gene: GATA2 (GATA binding protein 2; minus strand). Cytogenetic location: 3q21.3.
Variant type: single nucleotide variant.
Coding change: c.1017+532T>A on transcript NM_032638.5 (MANE Select); 532 bases into the intron after coding-DNA position 1017, T replaced by A.
Molecular consequence: intron variant.
Genome position (GRCh38, 1-based): chr3:128,483,328, A>T on the plus strand (T>A on the coding strand, the complement: GATA2 is on the minus strand). VCF-style: chr3-128483328-A-T. GRCh37 (hg19) VCF-style: chr3-128202171-A-T.
Other names: c.1017+532T>A (NM_001145662.1, NM_001145661.2, NM_032638.4).
Identifiers: ClinVar variation 1184021 (VCV001184021.7), dbSNP rs2107669881, ClinGen allele CA1139533057.